The following is an entry in ClinVar:

NM_001122630.2(CDKN1C):c.411G>A (p.Pro137=)

Gene: CDKN1C (cyclin dependent kinase inhibitor 1C; minus strand). Cytogenetic location: 11p15.4.
Variant type: single nucleotide variant.
Coding change: c.411G>A on transcript NM_001122630.2 (MANE Select); coding-DNA position 411, G replaced by A.
Protein change: p.Pro137=; no amino-acid change (proline 137 retained).
Molecular consequence: synonymous variant. On other transcripts: intron variant (1).
Genome position (GRCh38, 1-based): chr11:2,885,046, C>T on the plus strand (G>A on the coding strand, the complement: CDKN1C is on the minus strand). VCF-style: chr11-2885046-C-T. GRCh37 (hg19) VCF-style: chr11-2906276-C-T.
Other names: c.444G>A, p.Pro148= (NM_000076.2, NM_001362474.2, LRG_533t1); c.411G>A, p.Pro137= (NM_001122631.2); c.255+156G>A (NM_001362475.2).
Identifiers: ClinVar variation 236951 (VCV000236951.41), dbSNP rs878853625, ClinGen allele CA10582908.

ClinVar aggregate classification (germline): Conflicting classifications of pathogenicity. Review status: criteria provided, conflicting classifications (1 of 4 stars). 5 submissions from 5 submitters: Uncertain significance (1); Likely benign (4). Last evaluated 2026-07-01.

Conditions:
CDKN1C-related disorder. Also called: CDKN1C-related condition.
Beckwith-Wiedemann syndrome (BWS). Also called: EMG SYNDROME; Exomphalos macroglossia gigantism syndrome. Identifiers: Orphanet 116, MedGen C0004903, MONDO:0007534, OMIM 130650.

Allele frequency attached by ClinVar (database versions not stated): gnomAD 0.00020 and 0.00022; TOPMed 0.00020; gnomAD exomes 0.00047.

Submissions (5):

CeGaT Center for Human Genetics Tuebingen
Classification: Likely benign. Last evaluated: 2026-07-01. Review status: criteria provided, single submitter. Criteria: CeGaT Center For Human Genetics Tuebingen Variant Classification Criteria Version 2. Collection method: clinical testing. Allele origin: germline. Affected: yes. Observed: 2 variant alleles.
Comment: CDKN1C: BP4, BP7

Labcorp Genetics (formerly Invitae), Labcorp
Classification: Likely benign for Beckwith-Wiedemann syndrome. Last evaluated: 2026-01-04. Review status: criteria provided, single submitter. Criteria: Invitae Variant Classification Sherloc (09022015). Collection method: clinical testing. Allele origin: germline.

PreventionGenetics, part of Exact Sciences
Classification: Likely benign for CDKN1C-related condition. Last evaluated: 2025-09-13. Review status: criteria provided, single submitter. Criteria: ACMG Guidelines, 2015. Collection method: clinical testing. Allele origin: germline.
Comment: This variant is classified as likely benign based on ACMG/AMP sequence variant interpretation guidelines (Richards et al. 2015 PMID: 25741868, with internal and published modifications).

Blueprint Genetics
Classification: Likely benign. Last evaluated: 2024-03-18. Review status: criteria provided, single submitter. Criteria: ACMG Guidelines, 2015. Collection method: clinical testing. Allele origin: germline.

Eurofins Ntd Llc (ga)
Classification: Uncertain significance. Last evaluated: 2016-11-22. Review status: criteria provided, single submitter. Criteria: EGL Classification Definitions 2015. Collection method: clinical testing. Allele origin: germline. Observed: 1 variant allele, 1 heterozygote.